The following is an entry in ClinVar:

ClinVar aggregate classification (germline): Uncertain significance. Review status: criteria provided, multiple submitters, no conflicts (2 of 4 stars). 5 submissions from 5 submitters: Uncertain significance (5). Last evaluated 2026-06-27.

Conditions:
Intellectual developmental disorder, autosomal dominant 56. Also called: Intellectual disability, autosomal dominant 56; MENTAL RETARDATION, AUTOSOMAL DOMINANT 56. Identifiers: MedGen C4693389, MONDO:0030922, OMIM 617854.
Inborn genetic diseases. Identifiers: MedGen C0950123, MeSH D030342.
CLTC-related disorder. Also called: CLTC-related condition.

Allele frequency attached by ClinVar (database versions not stated): gnomAD exomes below 0.00001.
gnomAD v4.1: 1 of 1,614,132 alleles (0.000062%); highest among the groups gnomAD compares: Non-Finnish European, 0.000085%; no homozygotes.

Submissions (5):

PreventionGenetics, part of Exact Sciences
Classification: Uncertain significance for CLTC-related condition. Last evaluated: 2026-06-27. Review status: criteria provided, single submitter. Criteria: ACMG Guidelines, 2015. Collection method: clinical testing. Allele origin: germline.
Comment: The CLTC c.1604A>T variant is predicted to result in the amino acid substitution p.Gln535Leu. To our knowledge, this variant has not been reported in the literature or in a large population database (gnomAD), indicating this variant is rare. At this time, the clinical significance of this variant is uncertain due to the absence of conclusive functional and genetic evidence.

Ambry Genetics
Classification: Uncertain significance for Inborn genetic diseases. Last evaluated: 2025-08-30. Review status: criteria provided, single submitter. Criteria: Ambry Variant Classification Scheme 2023. Collection method: clinical testing. Allele origin: germline.

Labcorp Genetics (formerly Invitae), Labcorp
Classification: Uncertain significance. Last evaluated: 2025-04-21. Review status: criteria provided, single submitter. Criteria: Invitae Variant Classification Sherloc (09022015). Collection method: clinical testing. Allele origin: germline.
Comment: This sequence change replaces glutamine, which is neutral and polar, with leucine, which is neutral and non-polar, at codon 535 of the CLTC protein (p.Gln535Leu). This variant is not present in population databases (gnomAD no frequency). This variant has not been reported in the literature in individuals affected with CLTC-related conditions. ClinVar contains an entry for this variant (Variation ID: 932132). Invitae Evidence Modeling of protein sequence and biophysical properties (such as structural, functional, and spatial information, amino acid conservation, physicochemical variation, residue mobility, and thermodynamic stability) indicates that this missense variant is not expected to disrupt CLTC protein function with a negative predictive value of 80%. In summary, the available evidence is currently insufficient to determine the role of this variant in disease. Therefore, it has been classified as a Variant of Uncertain Significance.

Institute of Human Genetics, University of Leipzig Medical Center
Classification: Uncertain significance for Intellectual developmental disorder, autosomal dominant 56. Last evaluated: 2020-11-13. Review status: criteria provided, single submitter. Criteria: ACMG Guidelines, 2015. Collection method: clinical testing. Allele origin: unknown. Affected: yes.

Centre for Mendelian Genomics, University Medical Centre Ljubljana
Classification: Uncertain significance for Intellectual developmental disorder, autosomal dominant 56. Last evaluated: 2019-07-09. Review status: criteria provided, single submitter. Criteria: ACMG Guidelines, 2015. Collection method: clinical testing. Allele origin: unknown. Affected: yes.
Comment: This variant was classified as: Uncertain significance. The available evidence on this variant's pathogenicity is insufficient or conflicting. The following ACMG criteria were applied in classifying this variant: PM2,PP3.

NM_004859.4(CLTC):c.1592A>T (p.Gln531Leu)

Gene: CLTC (clathrin heavy chain; plus strand). Cytogenetic location: 17q23.1.
Variant type: single nucleotide variant.
Coding change: c.1592A>T on transcript NM_004859.4 (MANE Select); coding-DNA position 1592, A replaced by T.
Protein change: p.Gln531Leu; replaces glutamine 531 with leucine.
Molecular consequence: missense variant.
Genome position (GRCh38, 1-based): chr17:59,664,857, A>T. VCF-style: chr17-59664857-A-T. GRCh37 (hg19) VCF-style: chr17-57742218-A-T.
Other names: c.1604A>T, p.Gln535Leu (NM_001288653.2); c.1592A>T (NM_004859.3); short protein forms Q531L, Q535L.
Identifiers: ClinVar variation 932132 (VCV000932132.10), dbSNP rs2032692372, ClinGen allele CA400426830.